The following is an entry in ClinVar:

NM_017763.6(RNF43):c.1642G>A (p.Val548Ile)

Gene: RNF43 (ring finger protein 43; minus strand). Cytogenetic location: 17q22.
Variant type: single nucleotide variant.
Coding change: c.1642G>A on transcript NM_017763.6 (MANE Select); coding-DNA position 1642, G replaced by A.
Protein change: p.Val548Ile; replaces valine 548 with isoleucine.
Molecular consequence: missense variant.
Genome position (GRCh38, 1-based): chr17:58,358,134, C>T on the plus strand (G>A on the coding strand, the complement: RNF43 is on the minus strand). VCF-style: chr17-58358134-C-T. GRCh37 (hg19) VCF-style: chr17-56435495-C-T.
Other names: c.1642G>A (NM_017763.4); c.1642G>A, p.Val548Ile (NM_001305544.3); c.1261G>A, p.Val421Ile (NM_001305545.2); short protein forms V421I, V548I.
Identifiers: ClinVar variation 1004115 (VCV001004115.13), dbSNP rs375113334, ClinGen allele CA8673141.

ClinVar aggregate classification (germline): Conflicting classifications of pathogenicity. Review status: criteria provided, conflicting classifications (1 of 4 stars). 4 submissions from 4 submitters: Uncertain significance (3); Likely benign (1). Last evaluated 2024-11-25.

Conditions:
Sessile serrated polyposis cancer syndrome (SSPCS). Identifiers: Orphanet 157798, MedGen C4310714, MONDO:0014919, OMIM 617108.

Allele frequency attached by ClinVar (database versions not stated): gnomAD exomes below 0.00001; TOPMed 0.00001; ESP Exome Variant Server 0.00008.
gnomAD v4.1: 1 of 1,613,164 alleles (0.000062%); highest among the groups gnomAD compares: African/African-American, 0.0013%; no homozygotes.

Submissions (4):

Ambry Genetics
Classification: Likely benign. Last evaluated: 2024-11-25. Review status: criteria provided, single submitter. Criteria: Ambry Variant Classification Scheme 2023. Collection method: clinical testing. Allele origin: germline.

Laboratorio de Genetica e Diagnostico Molecular, Hospital Israelita Albert Einstein
Classification: Uncertain significance for Sessile serrated polyposis cancer syndrome. Last evaluated: 2022-07-13. Review status: criteria provided, single submitter. Criteria: ACMG Guidelines, 2015. Collection method: clinical testing. Allele origin: germline. Affected: yes. Observed: 1 variant allele.
Comment: ACMG classification criteria: PM2 moderated, BP4 supporting

GeneDx
Classification: Uncertain significance. Last evaluated: 2022-05-13. Review status: criteria provided, single submitter. Criteria: GeneDx Variant Classification Process June 2021. Collection method: clinical testing. Allele origin: germline. Affected: yes.
Comment: Not observed at significant frequency in large population cohorts (gnomAD); In silico analysis supports that this missense variant does not alter protein structure/function; Has not been previously published as pathogenic or benign to our knowledge; Variants in candidate genes are classified as variants of uncertain significance in accordance with ACMG guidelines (Richards 2015)

Labcorp Genetics (formerly Invitae), Labcorp
Classification: Uncertain significance. Last evaluated: 2020-10-05. Review status: criteria provided, single submitter. Criteria: Invitae Variant Classification Sherloc (09022015). Collection method: clinical testing. Allele origin: germline.
Comment: This sequence change replaces valine with isoleucine at codon 548 of the RNF43 protein (p.Val548Ile). The valine residue is moderately conserved and there is a small physicochemical difference between valine and isoleucine. This variant is present in population databases (rs375113334, ExAC 0.01%). This variant has not been reported in the literature in individuals with RNF43-related conditions. Algorithms developed to predict the effect of missense changes on protein structure and function output the following: SIFT: "Tolerated"; PolyPhen-2: "Benign"; Align-GVGD: "Class C0". The isoleucine amino acid residue is found in multiple mammalian species, suggesting that this missense change does not adversely affect protein function. These predictions have not been confirmed by published functional studies and their clinical significance is uncertain. In summary, the available evidence is currently insufficient to determine the role of this variant in disease. Therefore, it has been classified as a Variant of Uncertain Significance.